The following is an entry in ClinVar:

ClinVar aggregate classification (germline): Uncertain significance. Review status: criteria provided, multiple submitters, no conflicts (2 of 4 stars). 2 submissions from 2 submitters: Uncertain significance (2). Last evaluated 2022-05-10.

Conditions:
Peroxisome biogenesis disorder 11A (Zellweger). Also called: Peroxisome biogenesis disorder 11A. Identifiers: Orphanet 912, MedGen C3554000, MONDO:0013949, OMIM 614883.

Allele frequency attached by ClinVar (database versions not stated): TOPMed below 0.00001; gnomAD exomes below 0.00001.
gnomAD v4.1: 1 of 1,613,840 alleles (0.000062%); highest among the groups gnomAD compares: Admixed American, 0.0017%; no homozygotes.

Submissions (2):

Labcorp Genetics (formerly Invitae), Labcorp
Classification: Uncertain significance for Peroxisome biogenesis disorder 11A (Zellweger). Last evaluated: 2022-05-10. Review status: criteria provided, single submitter. Criteria: Invitae Variant Classification Sherloc (09022015). Collection method: clinical testing. Allele origin: germline.
Comment: This sequence change replaces proline, which is neutral and non-polar, with leucine, which is neutral and non-polar, at codon 388 of the PEX13 protein (p.Pro388Leu). This variant is present in population databases (no rsID available, gnomAD 0.003%). This variant has not been reported in the literature in individuals affected with PEX13-related conditions. ClinVar contains an entry for this variant (Variation ID: 501846). Algorithms developed to predict the effect of missense changes on protein structure and function are either unavailable or do not agree on the potential impact of this missense change (SIFT: "Deleterious"; PolyPhen-2: "Benign"; Align-GVGD: "Class C0"). In summary, the available evidence is currently insufficient to determine the role of this variant in disease. Therefore, it has been classified as a Variant of Uncertain Significance.

Eurofins Ntd Llc (ga)
Classification: Uncertain significance. Last evaluated: 2017-05-02. Review status: criteria provided, single submitter. Criteria: EGL Classification Definitions 2015. Collection method: clinical testing. Allele origin: germline. Observed: 1 variant allele, 1 heterozygote.

NM_002618.4(PEX13):c.1163C>T (p.Pro388Leu)

Gene: PEX13 (peroxisomal biogenesis factor 13; plus strand). Cytogenetic location: 2p15.
Variant type: single nucleotide variant.
Coding change: c.1163C>T on transcript NM_002618.4 (MANE Select); coding-DNA position 1163, C replaced by T.
Protein change: p.Pro388Leu; replaces proline 388 with leucine.
Molecular consequence: missense variant.
Genome position (GRCh38, 1-based): chr2:61,048,721, C>T. VCF-style: chr2-61048721-C-T. GRCh37 (hg19) VCF-style: chr2-61275856-C-T.
Other names: short protein forms P388L.
Identifiers: ClinVar variation 501846 (VCV000501846.11), dbSNP rs1203618499, ClinGen allele CA346950290.